The following is an entry in ClinVar:

ClinVar aggregate classification (germline): Likely benign. Review status: criteria provided, multiple submitters, no conflicts (2 of 4 stars). 2 submissions from 2 submitters: Likely benign (2). Last evaluated 2025-10-23.

Conditions:
Glutaric aciduria, type 1. Also called: Glutaricaciduria, type I; Glutaryl-CoA dehydrogenase deficiency; Glutaric Acidemia Type 1; GA I; Glutaric acidemia type I; Glutaricacidemia Type 1. Identifiers: Orphanet 25, MedGen C0268595, MONDO:0009281, OMIM 231670.

Allele frequency attached by ClinVar (database versions not stated): ExAC 0.00001; gnomAD 0.00001; gnomAD exomes 0.00001; TOPMed 0.00002.
gnomAD v4.1: 13 of 1,614,102 alleles (0.00081%); highest among the groups gnomAD compares: African/African-American, 0.0013%; no homozygotes.

Submissions (2):

Mayo Clinic Laboratories, Mayo Clinic
Classification: Likely benign. Last evaluated: 2025-10-23. Review status: criteria provided, single submitter. Criteria: ACMG Guidelines, 2015. Collection method: clinical testing. Allele origin: germline. Observed: 1 variant allele.
Comment: BP4, BP7

Labcorp Genetics (formerly Invitae), Labcorp
Classification: Likely benign for Glutaric aciduria, type 1. Last evaluated: 2024-03-12. Review status: criteria provided, single submitter. Criteria: Invitae Variant Classification Sherloc (09022015). Collection method: clinical testing. Allele origin: germline.

NM_000159.4(GCDH):c.117A>G (p.Gln39=)

Genes: GCDH (glutaryl-CoA dehydrogenase; plus strand), LOC117125594 (CRISPRi-FlowFISH-validated KLF1 regulatory element; plus strand). Cytogenetic location: 19p13.13.
Variant type: single nucleotide variant.
Coding change: c.117A>G on transcript NM_000159.4 (MANE Select); coding-DNA position 117, A replaced by G.
Protein change: p.Gln39=; no amino-acid change (glutamine 39 retained).
Molecular consequence: synonymous variant. On other transcripts: non-coding transcript variant (2).
Genome position (GRCh38, 1-based): chr19:12,891,512, A>G. VCF-style: chr19-12891512-A-G. GRCh37 (hg19) VCF-style: chr19-13002326-A-G.
Other names: p.Gln39=; c.117A>G, p.Gln39= (NM_013976.5).
Identifiers: ClinVar variation 1097789 (VCV001097789.10), dbSNP rs752609314, ClinGen allele CA9234209.
Genomic context (GRCh38, chr19:12,891,512, plus strand): 5'-CTTTCCGGGGTGACTTTCCCGTTCTGTGCTTGCAGAGAAAGGCGGGAGAACACAGAGCCA[A>G]CTGGCTAAGTGTAAGGACCTCTGGTCGCACCGTGTGTCTGCTGCCCCTGTTCAGCTGTCT-3'
Protein context (NP_000150.1, residues 29-49): QTEKGGRTQS[Gln39=]LAKSSRPEFD